The following is an entry in ClinVar:

ClinVar aggregate classification (germline): Uncertain significance (1 of 4 stars; one submission).

Conditions:
Hereditary factor IX deficiency disease (HEMB). Also called: Christmas Disease; F9 DEFICIENCY; FACTOR IX DEFICIENCY; PLASMA THROMBOPLASTIN COMPONENT DEFICIENCY; Hemophilia B. Identifiers: Orphanet 98879, MedGen C0008533, MeSH D002836, MONDO:0010604, OMIM 306900.
Thrombophilia, X-linked, due to factor 9 defect. Identifiers: MedGen C2749016, MONDO:0010432, OMIM 300807.

Submission:

Labcorp Genetics (formerly Invitae), Labcorp
Classification: Uncertain significance for Thrombophilia, X-linked, due to factor 9 defect; Hereditary factor IX deficiency disease. Last evaluated: 2024-04-25. Review status: criteria provided, single submitter. Criteria: Invitae Variant Classification Sherloc (09022015). Collection method: clinical testing. Allele origin: germline.
Comment: This sequence change replaces glycine, which is neutral and non-polar, with alanine, which is neutral and non-polar, at codon 230 of the F9 protein (p.Gly230Ala). This variant is not present in population databases (gnomAD no frequency). This variant has not been reported in the literature in individuals affected with F9-related conditions. Advanced modeling of protein sequence and biophysical properties (such as structural, functional, and spatial information, amino acid conservation, physicochemical variation, residue mobility, and thermodynamic stability) has been performed at Invitae for this missense variant, however the output from this modeling did not meet the statistical confidence thresholds required to predict the impact of this variant on F9 protein function. In summary, the available evidence is currently insufficient to determine the role of this variant in disease. Therefore, it has been classified as a Variant of Uncertain Significance.

NM_000133.4(F9):c.689G>C (p.Gly230Ala)

Gene: F9 (coagulation factor IX; plus strand). Cytogenetic location: Xq27.1.
Variant type: single nucleotide variant.
Coding change: c.689G>C on transcript NM_000133.4 (MANE Select); coding-DNA position 689, G replaced by C.
Protein change: p.Gly230Ala; replaces glycine 230 with alanine.
Molecular consequence: missense variant.
Genome position (GRCh38, 1-based): chrX:139,551,230, G>C. VCF-style: chrX-139551230-G-C. GRCh37 (hg19) VCF-style: chrX-138633389-G-C.
Other names: c.575G>C, p.Gly192Ala (NM_001313913.2); short protein forms G192A, G230A.
Identifiers: ClinVar variation 3756062 (VCV003756062.2).